The following is an entry in ClinVar:

ClinVar aggregate classification (germline): Uncertain significance. Review status: criteria provided, multiple submitters, no conflicts (2 of 4 stars). 2 submissions from 2 submitters: Uncertain significance (2). Last evaluated 2024-04-17.

Conditions:
Familial cold autoinflammatory syndrome 3 (FCAS3). Also called: FAMILIAL ATYPICAL COLD URTICARIA; ANTIBODY DEFICIENCY AND IMMUNE DYSREGULATION, PLCG2-ASSOCIATED. Identifiers: Orphanet 300359, MedGen C3280914, MONDO:0013766, OMIM 614468.

Allele frequency attached by ClinVar (database versions not stated): gnomAD 0.00001; gnomAD exomes 0.00002; ExAC 0.00003; 1000 Genomes Project 30x 0.00016; 1000 Genomes Project 0.00020.
gnomAD v4.1: 111 of 1,609,562 alleles (0.0069%); highest among the groups gnomAD compares: Non-Finnish European, 0.0093%; no homozygotes.

Submissions (2):

Labcorp Genetics (formerly Invitae), Labcorp
Classification: Uncertain significance for Familial cold autoinflammatory syndrome 3. Last evaluated: 2024-04-17. Review status: criteria provided, single submitter. Criteria: Invitae Variant Classification Sherloc (09022015). Collection method: clinical testing. Allele origin: germline.
Comment: This sequence change replaces histidine, which is basic and polar, with asparagine, which is neutral and polar, at codon 641 of the PLCG2 protein (p.His641Asn). This variant is present in population databases (rs573799583, gnomAD 0.006%). This variant has not been reported in the literature in individuals affected with PLCG2-related conditions. ClinVar contains an entry for this variant (Variation ID: 1162794). An algorithm developed to predict the effect of missense changes on protein structure and function (PolyPhen-2) suggests that this variant is likely to be disruptive. In summary, the available evidence is currently insufficient to determine the role of this variant in disease. Therefore, it has been classified as a Variant of Uncertain Significance.

Mayo Clinic Laboratories, Mayo Clinic
Classification: Uncertain significance. Last evaluated: 2020-11-03. Review status: criteria provided, single submitter. Criteria: ACMG Guidelines, 2015. Collection method: clinical testing. Allele origin: germline. Observed: 1 variant allele.

NM_002661.5(PLCG2):c.1921C>A (p.His641Asn)

Gene: PLCG2 (phospholipase C gamma 2; plus strand). Cytogenetic location: 16q23.3.
Variant type: single nucleotide variant.
Coding change: c.1921C>A on transcript NM_002661.5 (MANE Select); coding-DNA position 1921, C replaced by A.
Protein change: p.His641Asn; replaces histidine 641 with asparagine.
Molecular consequence: missense variant.
Genome position (GRCh38, 1-based): chr16:81,910,707, C>A. VCF-style: chr16-81910707-C-A. GRCh37 (hg19) VCF-style: chr16-81944312-C-A.
Other names: short protein forms H641N.
Identifiers: ClinVar variation 1162794 (VCV001162794.9), dbSNP rs573799583, ClinGen allele CA8193981.
Genomic context (GRCh38, chr16:81,910,707, plus strand): 5'-CACCTGCGCTGCGCCGAGTTCGAGCTGCGGCTCACGGACCCTGTGCCCAACCCCAACCCC[C>A]ACGAGTCCAAGCCGTACGTGTCTGAGGGTGGAGCAGGAGGCAGGCGGTGGTCGGGTTAGC-3'
Protein context (NP_002652.2, residues 631-651): LTDPVPNPNP[His641Asn]ESKPWYYDSL